The following is an entry in ClinVar:

ClinVar aggregate classification (germline): Uncertain significance (1 of 4 stars; one submission).

Allele frequency attached by ClinVar (database versions not stated): gnomAD 0.00001; gnomAD exomes 0.00001; TOPMed 0.00001; ExAC 0.00002.
gnomAD v4.1: 10 of 1,613,920 alleles (0.00062%); highest among the groups gnomAD compares: Admixed American, 0.0017%; no homozygotes.

Submission:

Labcorp Genetics (formerly Invitae), Labcorp
Classification: Uncertain significance. Last evaluated: 2025-07-07. Review status: criteria provided, single submitter. Criteria: Invitae Variant Classification Sherloc (09022015). Collection method: clinical testing. Allele origin: germline.
Comment: This sequence change replaces glutamine, which is neutral and polar, with lysine, which is basic and polar, at codon 1113 of the ANLN protein (p.Gln1113Lys). This variant is present in population databases (rs769273957, gnomAD 0.003%). This variant has not been reported in the literature in individuals affected with ANLN-related conditions. ClinVar contains an entry for this variant (Variation ID: 1896558). Invitae Evidence Modeling of protein sequence and biophysical properties (such as structural, functional, and spatial information, amino acid conservation, physicochemical variation, residue mobility, and thermodynamic stability) indicates that this missense variant is not expected to disrupt ANLN protein function with a negative predictive value of 80%. In summary, the available evidence is currently insufficient to determine the role of this variant in disease. Therefore, it has been classified as a Variant of Uncertain Significance.

NM_018685.5(ANLN):c.3337C>A (p.Gln1113Lys)

Gene: ANLN (anillin, actin binding protein; plus strand). Cytogenetic location: 7p14.2.
Variant type: single nucleotide variant.
Coding change: c.3337C>A on transcript NM_018685.5 (MANE Select); coding-DNA position 3337, C replaced by A.
Protein change: p.Gln1113Lys; replaces glutamine 1113 with lysine.
Molecular consequence: missense variant.
Genome position (GRCh38, 1-based): chr7:36,452,562, C>A. VCF-style: chr7-36452562-C-A. GRCh37 (hg19) VCF-style: chr7-36492171-C-A.
Other names: c.3226C>A, p.Gln1076Lys (NM_001284301.3); c.3223C>A, p.Gln1075Lys (NM_001284302.3); short protein forms Q1075K, Q1076K, Q1113K.
Identifiers: ClinVar variation 1896558 (VCV001896558.5), dbSNP rs769273957, ClinGen allele CA4220155.